The following is an entry in ClinVar:

ClinVar aggregate classification (germline): Uncertain significance. Review status: criteria provided, multiple submitters, no conflicts (2 of 4 stars). 2 submissions from 2 submitters: Uncertain significance (2). Last evaluated 2023-12-05.

Conditions:
Hereditary cancer-predisposing syndrome. Also called: Neoplastic Syndromes, Hereditary; Tumor predisposition; Hereditary neoplastic syndrome; Hereditary Cancer Syndrome. Identifiers: Orphanet 140162, MedGen C0027672, MeSH D009386, MONDO:0015356.

Allele frequency attached by ClinVar (database versions not stated): TOPMed below 0.00001.

Submissions (2):

Color Diagnostics, LLC DBA Color Health
Classification: Uncertain significance for Hereditary cancer-predisposing syndrome. Last evaluated: 2023-12-05. Review status: criteria provided, single submitter. Criteria: ACMG Guidelines, 2015. Collection method: clinical testing. Allele origin: germline.
Comment: This missense variant replaces cysteine with arginine at codon 465 of the BRIP1 protein. Computational prediction suggests that this variant may have deleterious impact on protein structure and function (internally defined REVEL score threshold >= 0.7, PMID: 27666373). To our knowledge, functional studies have not been reported for this variant. This variant has not been reported in individuals affected with BRIP1-related disorders in the literature. This variant has not been identified in the general population by the Genome Aggregation Database (gnomAD). The available evidence is insufficient to determine the role of this variant in disease conclusively. Therefore, this variant is classified as a Variant of Uncertain Significance.

Ambry Genetics
Classification: Uncertain significance for Hereditary cancer-predisposing syndrome. Last evaluated: 2022-11-02. Review status: criteria provided, single submitter. Criteria: Ambry Variant Classification Scheme 2023. Collection method: clinical testing. Allele origin: germline.
Comment: The p.C465R variant (also known as c.1393T>C), located in coding exon 9 of the BRIP1 gene, results from a T to C substitution at nucleotide position 1393. The cysteine at codon 465 is replaced by arginine, an amino acid with highly dissimilar properties. This amino acid position is conserved. In addition, the in silico prediction for this alteration is inconclusive. Since supporting evidence is limited at this time, the clinical significance of this alteration remains unclear.

NM_032043.3(BRIP1):c.1393T>C (p.Cys465Arg)

Gene: BRIP1 (BRCA1 interacting DNA helicase 1; minus strand). Cytogenetic location: 17q23.2.
Variant type: single nucleotide variant.
Coding change: c.1393T>C on transcript NM_032043.3 (MANE Select); coding-DNA position 1393, T replaced by C.
Protein change: p.Cys465Arg; replaces cysteine 465 with arginine.
Molecular consequence: missense variant.
Genome position (GRCh38, 1-based): chr17:61,793,677, A>G on the plus strand (T>C on the coding strand, the complement: BRIP1 is on the minus strand). VCF-style: chr17-61793677-A-G. GRCh37 (hg19) VCF-style: chr17-59871038-A-G.
Other names: short protein forms C465R.
Identifiers: ClinVar variation 627963 (VCV000627963.7), dbSNP rs1308550801, ClinGen allele CA400482212.